The following is an entry in ClinVar:

NM_001017420.3(ESCO2):c.199dup (p.Arg67fs)

Gene: ESCO2 (establishment of sister chromatid cohesion N-acetyltransferase 2; plus strand). Cytogenetic location: 8p21.1.
Variant type: Duplication.
Coding change: c.199dup on transcript NM_001017420.3 (MANE Select); coding-DNA position 199, one base duplicated (A; older notation c.199dupA).
Protein change: p.Arg67fs; shifts the reading frame from arginine 67.
Molecular consequence: frameshift variant.
Genome position (GRCh38, 1-based): chr8:27,776,507, A duplicated. VCF-style (leftmost placement, unchanged base first): chr8-27776506-T-TA. GRCh37 (hg19) VCF-style: chr8-27634023-T-TA.
Other names: c.199dupA (NM_001017420.2); short protein forms R67fs.
Identifiers: ClinVar variation 3595475 (VCV003595475.2).

ClinVar aggregate classification (germline): Likely pathogenic. Review status: criteria provided, multiple submitters, no conflicts (2 of 4 stars). 2 submissions from 2 submitters: Likely pathogenic (2). Last evaluated 2025-03-13.

Conditions:
Roberts-SC phocomelia syndrome (RBS). Also called: Pseudothalidomide syndrome; Appelt-Gerken-Lenz syndrome; ESCO2 Spectrum Disorder; LONG BONE DEFICIENCIES ASSOCIATED WITH CLEFT LIP-PALATE; Hypomelia hypotrichosis facial hemangioma syndrome. Identifiers: Orphanet 3103, MedGen C0392475, MONDO:0100253, OMIM 268300.
Juberg-Hayward syndrome (JHS). Also called: Cleft lip/palate with abnormal thumbs and microcephaly; OROCRANIODIGITAL SYNDROME. Identifiers: Orphanet 2319, MedGen C0796099, MONDO:0008992, OMIM 216100.
ESCO2-related disorder. Also called: ESCO2-related condition.

Submissions (2):

PreventionGenetics, part of Exact Sciences
Classification: Likely pathogenic for ESCO2-related condition. Last evaluated: 2025-03-13. Review status: criteria provided, single submitter. Criteria: ACMG Guidelines, 2015. Collection method: clinical testing. Allele origin: germline.
Comment: The ESCO2 c.199dupA variant is predicted to result in a frameshift and premature protein termination (p.Arg67Lysfs*12). To our knowledge, this variant has not been reported in the literature or in a large population database (gnomAD), indicating this variant is rare. Frameshift variants in ESCO2 are expected to be pathogenic. This variant is interpreted as likely pathogenic.

Fulgent Genetics
Classification: Likely pathogenic for Juberg-Hayward syndrome; Roberts-SC phocomelia syndrome. Last evaluated: 2024-04-19. Review status: criteria provided, single submitter. Criteria: ACMG Guidelines, 2015. Collection method: clinical testing. Allele origin: germline.